The following is an entry in ClinVar:

NM_006086.4(TUBB3):c.1158G>A (p.Thr386=)

Gene: TUBB3 (tubulin beta 3 class III; plus strand). Cytogenetic location: 16q24.3.
Variant type: single nucleotide variant.
Coding change: c.1158G>A on transcript NM_006086.4 (MANE Select); coding-DNA position 1158, G replaced by A.
Protein change: p.Thr386=; no amino-acid change (threonine 386 retained).
Molecular consequence: synonymous variant.
Genome position (GRCh38, 1-based): chr16:89,935,609, G>A. VCF-style: chr16-89935609-G-A. GRCh37 (hg19) VCF-style: chr16-90002017-G-A.
Other names: c.942G>A, p.Thr314= (NM_001197181.2).
Identifiers: ClinVar variation 740701 (VCV000740701.8), dbSNP rs773849361, ClinGen allele CA8256215.

ClinVar aggregate classification (germline): Likely benign. Review status: criteria provided, multiple submitters, no conflicts (2 of 4 stars). 2 submissions from 2 submitters: Likely benign (2). Last evaluated 2025-09-17.

Conditions:
TUBB3-related disorder. Also called: TUBB3-related condition; TUBB3-related disorders.

Allele frequency attached by ClinVar (database versions not stated): TOPMed 0.00006; gnomAD 0.00007 and 0.00008.
gnomAD v4.1: 20 of 1,613,894 alleles (0.0012%); highest among the groups gnomAD compares: African/African-American, 0.013%; no homozygotes.

Submissions (2):

Labcorp Genetics (formerly Invitae), Labcorp
Classification: Likely benign. Last evaluated: 2025-09-17. Review status: criteria provided, single submitter. Criteria: Invitae Variant Classification Sherloc (09022015). Collection method: clinical testing. Allele origin: germline.

PreventionGenetics, part of Exact Sciences
Classification: Likely benign for TUBB3-related condition. Last evaluated: 2025-08-04. Review status: criteria provided, single submitter. Criteria: ACMG Guidelines, 2015. Collection method: clinical testing. Allele origin: germline.
Comment: This variant is classified as likely benign based on ACMG/AMP sequence variant interpretation guidelines (Richards et al. 2015 PMID: 25741868, with internal and published modifications).